The following is an entry in ClinVar:

NM_020458.4(TTC7A):c.1518G>A (p.Leu506=)

Gene: TTC7A (tetratricopeptide repeat domain 7A; plus strand). Cytogenetic location: 2p21.
Variant type: single nucleotide variant.
Coding change: c.1518G>A on transcript NM_020458.4 (MANE Select); coding-DNA position 1518, G replaced by A.
Protein change: p.Leu506=; no amino-acid change (leucine 506 retained).
Molecular consequence: synonymous variant.
Genome position (GRCh38, 1-based): chr2:47,023,415, G>A. VCF-style: chr2-47023415-G-A. GRCh37 (hg19) VCF-style: chr2-47250554-G-A.
Other names: c.1518G>A, p.Leu506= (NM_001288951.2); c.1416G>A, p.Leu472= (NM_001288953.2); c.456G>A, p.Leu152= (NM_001288955.2).
Identifiers: ClinVar variation 765866 (VCV000765866.31), dbSNP rs759226270, ClinGen allele CA1647721.

ClinVar aggregate classification (germline): Likely benign. Review status: criteria provided, multiple submitters, no conflicts (2 of 4 stars). 2 submissions from 2 submitters: Likely benign (2). Last evaluated 2025-12-26.

Conditions:
Multiple gastrointestinal atresias. Also called: FAMILIAL INTESTINAL POLYATRESIA SYNDROME; Multiple intestinal atresia. Identifiers: Orphanet 2300, MedGen C0220744, MONDO:0009465.

Allele frequency attached by ClinVar (database versions not stated): ExAC 0.00002; gnomAD 0.00003 and 0.00004; gnomAD exomes 0.00003 and 0.00009; TOPMed 0.00003.
gnomAD v4.1: 150 of 1,613,908 alleles (0.0093%); highest among the groups gnomAD compares: Non-Finnish European, 0.012%; no homozygotes.

Submissions (2):

Labcorp Genetics (formerly Invitae), Labcorp
Classification: Likely benign for Multiple gastrointestinal atresias. Last evaluated: 2025-12-26. Review status: criteria provided, single submitter. Criteria: Invitae Variant Classification Sherloc (09022015). Collection method: clinical testing. Allele origin: germline.

CeGaT Center for Human Genetics Tuebingen
Classification: Likely benign. Last evaluated: 2024-02-01. Review status: criteria provided, single submitter. Criteria: CeGaT Center For Human Genetics Tuebingen Variant Classification Criteria Version 2. Collection method: clinical testing. Allele origin: germline. Affected: yes. Observed: 1 variant allele.
Comment: TTC7A: BP4, BP7